The following is an entry in ClinVar:

ClinVar aggregate classification (germline): Uncertain significance. Review status: criteria provided, multiple submitters, no conflicts (2 of 4 stars). 2 submissions from 2 submitters: Uncertain significance (2). Last evaluated 2025-05-25.

Conditions:
Hereditary cancer-predisposing syndrome. Also called: Hereditary neoplastic syndrome; Neoplastic Syndromes, Hereditary; Tumor predisposition; Hereditary Cancer Syndrome. Identifiers: Orphanet 140162, MedGen C0027672, MeSH D009386, MONDO:0015356.

gnomAD v4.1: 1 of 1,614,042 alleles (0.000062%); highest among the groups gnomAD compares: Non-Finnish European, 0.000085%; no homozygotes.

Submissions (2):

Color Diagnostics, LLC DBA Color Health
Classification: Uncertain significance for Hereditary cancer-predisposing syndrome. Last evaluated: 2025-05-25. Review status: criteria provided, single submitter. Criteria: ACMG Guidelines, 2015. Collection method: clinical testing. Allele origin: germline.
Comment: This missense variant replaces alanine with serine at codon 471 of the BAP1 protein. Computational prediction suggests that this variant may not impact protein structure and function. To our knowledge, functional studies have not been reported for this variant. This variant has not been reported in individuals affected with BAP1-related disorders in the literature. This variant has not been identified in the general population by the Genome Aggregation Database (gnomAD). The available evidence is insufficient to determine the role of this variant in disease conclusively. Therefore, this variant is classified as a Variant of Uncertain Significance.

Ambry Genetics
Classification: Uncertain significance for Hereditary cancer-predisposing syndrome. Last evaluated: 2025-01-09. Review status: criteria provided, single submitter. Criteria: Ambry Variant Classification Scheme 2023. Collection method: clinical testing. Allele origin: germline.

NM_004656.4(BAP1):c.1411G>T (p.Ala471Ser)

Gene: BAP1 (BRCA1 associated deubiquitinase 1; minus strand). Cytogenetic location: 3p21.1.
Variant type: single nucleotide variant.
Coding change: c.1411G>T on transcript NM_004656.4 (MANE Select); coding-DNA position 1411, G replaced by T.
Protein change: p.Ala471Ser; replaces alanine 471 with serine.
Molecular consequence: missense variant.
Genome position (GRCh38, 1-based): chr3:52,403,734, C>A on the plus strand (G>T on the coding strand, the complement: BAP1 is on the minus strand). VCF-style: chr3-52403734-C-A. GRCh37 (hg19) VCF-style: chr3-52437750-C-A.
Other names: c.1357G>T, p.Ala453Ser (NM_001410772.1); short protein forms A471S, A453S.
Identifiers: ClinVar variation 3819447 (VCV003819447.2).
Genomic context (GRCh38, chr3:52,403,734, plus strand): 5'-CATTGCTGGGGGTGGGTGAGGGCTGCGAGTGTGTGGGCACTGCCACAGCCGGACTCCCAG[C>A]CCCGCTGCTAGTCTTGATGGACAGAGGAATTGAGAGGTCCTTCTGGGACTCTTTGAGCTT-3'
Protein context (NP_004647.1, residues 461-481): IPLSIKTSSG[Ala471Ser]GSPAVAVPTH